The following is an entry in ClinVar:

ClinVar aggregate classification (germline): Uncertain significance (1 of 4 stars; one submission).

gnomAD v4.1: 1 of 1,613,328 alleles (0.000062%); highest among the groups gnomAD compares: Non-Finnish European, 0.000085%; no homozygotes.

Submission:

Ambry Genetics
Classification: Uncertain significance. Last evaluated: 2023-10-08. Review status: criteria provided, single submitter. Criteria: Ambry Variant Classification Scheme 2023. Collection method: clinical testing. Allele origin: germline.
Comment: The p.G875V variant (also known as c.2624G>T), located in coding exon 14 of the PALLD gene, results from a G to T substitution at nucleotide position 2624. The glycine at codon 875 is replaced by valine, an amino acid with dissimilar properties. This amino acid position is conserved. In addition, this alteration is predicted to be deleterious by in silico analysis. Since supporting evidence is limited at this time, the clinical significance of this alteration remains unclear.

NM_001166108.2(PALLD):c.2675G>T (p.Gly892Val)

Genes: CBR4 (carbonyl reductase 4; minus strand), PALLD (palladin, cytoskeletal associated protein; plus strand). Cytogenetic location: 4q32.3.
Variant type: single nucleotide variant.
Coding change: c.2675G>T on transcript NM_001166108.2 (MANE Select); coding-DNA position 2675, G replaced by T.
Protein change: p.Gly892Val; replaces glycine 892 with valine.
Molecular consequence: missense variant.
Genome position (GRCh38, 1-based): chr4:168,913,979, G>T. VCF-style: chr4-168913979-G-T. GRCh37 (hg19) VCF-style: chr4-169835130-G-T.
Other names: c.1478G>T, p.Gly493Val (NM_001166109.2); c.1163G>T, p.Gly388Val (NM_001166110.2); c.503G>T, p.Gly168Val (NM_001367567.1, NM_001367569.1); c.554G>T, p.Gly185Val (NM_001367568.1, NM_001367570.1); c.2624G>T, p.Gly875Val (NM_016081.4); short protein forms G168V, G185V, G388V, G493V, G875V, G892V.
Identifiers: ClinVar variation 3226781 (VCV003226781.1), dbSNP rs863224703, ClinGen allele CA358705144.